The following is an entry in ClinVar:

ClinVar aggregate classification (germline): Likely benign (1 of 4 stars; one submission).

Conditions:
ABCA4-related disorder. Also called: ABCA4-related disorders; ABCA4-related condition. Identifiers: MedGen CN239167.

gnomAD v4.1: 5 of 152,130 alleles (0.0033%); highest among the groups gnomAD compares: Non-Finnish European, 0.0059%; no homozygotes.

Submission:

PreventionGenetics, part of Exact Sciences
Classification: Likely benign for ABCA4-related condition. Last evaluated: 2025-04-12. Review status: criteria provided, single submitter. Criteria: ACMG Guidelines, 2015. Collection method: clinical testing. Allele origin: germline.
Comment: This variant is classified as likely benign based on ACMG/AMP sequence variant interpretation guidelines (Richards et al. 2015 PMID: 25741868, with internal and published modifications).

NM_000350.3(ABCA4):c.4539+1111C>T

Gene: ABCA4 (ATP binding cassette subfamily A member 4; minus strand). Cytogenetic location: 1p22.1.
Variant type: single nucleotide variant.
Coding change: c.4539+1111C>T on transcript NM_000350.3 (MANE Select); 1111 bases into the intron after coding-DNA position 4539, C replaced by T.
Molecular consequence: intron variant.
Genome position (GRCh38, 1-based): chr1:94,028,334, G>A on the plus strand (C>T on the coding strand, the complement: ABCA4 is on the minus strand). VCF-style: chr1-94028334-G-A. GRCh37 (hg19) VCF-style: chr1-94493890-G-A.
Other names: c.4317+1111C>T (NM_001425324.1).
Identifiers: ClinVar variation 4988608 (VCV004988608.1).